The following is an entry in ClinVar:

NM_032119.4(ADGRV1):c.4538_4539del (p.Tyr1513fs)

Gene: ADGRV1 (adhesion G protein-coupled receptor V1; plus strand). Cytogenetic location: 5q14.3.
Variant type: Microsatellite.
Coding change: c.4538_4539del on transcript NM_032119.4 (MANE Select); coding-DNA positions 4538 to 4539, 2 bases deleted (AT; older notation c.4538_4539delAT).
Protein change: p.Tyr1513fs; shifts the reading frame from tyrosine 1513.
Molecular consequence: frameshift variant. On other transcripts: non-coding transcript variant (1).
Genome position (GRCh38, 1-based): chr5:90,658,064-90,658,065, AT deleted; deleting any 2 consecutive bases within chr5:90,658,062-90,658,065 gives the same sequence; the c. name uses the placement nearest the transcript's 3' end. VCF-style (leftmost placement, unchanged base first): chr5-90658061-GAT-G. GRCh37 (hg19) VCF-style: chr5-89953878-GAT-G.
Other names: short protein forms Y1513fs.
Identifiers: ClinVar variation 1407431 (VCV001407431.6), dbSNP rs2149480454, ClinGen allele CA2580613606.

ClinVar aggregate classification (germline): Pathogenic (1 of 4 stars; one submission).

Submission:

Labcorp Genetics (formerly Invitae), Labcorp
Classification: Pathogenic. Last evaluated: 2023-02-26. Review status: criteria provided, single submitter. Criteria: Invitae Variant Classification Sherloc (09022015). Collection method: clinical testing. Allele origin: germline.
Comment: This variant has not been reported in the literature in individuals affected with ADGRV1-related conditions. This variant is not present in population databases (gnomAD no frequency). This sequence change creates a premature translational stop signal (p.Tyr1513Serfs*9) in the ADGRV1 gene. It is expected to result in an absent or disrupted protein product. Loss-of-function variants in ADGRV1 are known to be pathogenic (PMID: 19357117, 22135276, 22147658, 26226137, 30718709, 31047384, 32467589). For these reasons, this variant has been classified as Pathogenic.

Literature cited by the submitters: PubMed 19357117; PubMed 22135276; PubMed 22147658; PubMed 26226137; PubMed 30718709; PubMed 31047384; PubMed 32467589.